The following is an entry in ClinVar:

NM_014874.4(MFN2):c.475-5_475-2dup

Gene: MFN2 (mitofusin 2; plus strand). Cytogenetic location: 1p36.22.
Variant type: Duplication.
Coding change: c.475-5_475-2dup on transcript NM_014874.4 (MANE Select); 5 bases into the intron before coding-DNA position 475 through the canonical splice acceptor site of the intron before coding-DNA position 475, 4 bases duplicated (ATCA; older notation c.475-5_475-2dupATCA).
Molecular consequence: splice acceptor variant.
Genome position (GRCh38, 1-based): chr1:11,997,292-11,997,295, ATCA duplicated. VCF-style (leftmost placement, unchanged base first): chr1-11997291-C-CATCA. GRCh37 (hg19) VCF-style: chr1-12057348-C-CATCA.
Other names: c.475-5_475-2dup (NM_001127660.2).
Identifiers: ClinVar variation 2742141 (VCV002742141.3), dbSNP rs2523020689, ClinGen allele CA2697552211.

ClinVar aggregate classification (germline): Uncertain significance (1 of 4 stars; one submission).

Conditions:
Charcot-Marie-Tooth disease type 2. Also called: Charcot-Marie-Tooth type 2. Identifiers: Orphanet 64746, MedGen C0270914, MONDO:0018993.

Submission:

Labcorp Genetics (formerly Invitae), Labcorp
Classification: Uncertain significance for Charcot-Marie-Tooth disease type 2. Last evaluated: 2023-07-12. Review status: criteria provided, single submitter. Criteria: Invitae Variant Classification Sherloc (09022015). Collection method: clinical testing. Allele origin: germline.
Comment: Experimental studies and prediction algorithms are not available or were not evaluated, and the effect of this variant on mRNA splicing is currently unknown. In summary, the available evidence is currently insufficient to determine the role of this variant in disease. Therefore, it has been classified as a Variant of Uncertain Significance. This variant has not been reported in the literature in individuals affected with MFN2-related conditions. This variant is not present in population databases (gnomAD no frequency). This sequence change falls in intron 5 of the MFN2 gene. It does not directly change the encoded amino acid sequence of the MFN2 protein.